The following is an entry in ClinVar:

ClinVar aggregate classification (germline): Uncertain significance. Review status: criteria provided, multiple submitters, no conflicts (2 of 4 stars). 7 submissions from 4 submitters: Uncertain significance (7). Last evaluated 2025-01-01.

Conditions:
Hemolytic uremic syndrome, atypical, susceptibility to, 1. Also called: AHUS, SUSCEPTIBILITY TO, 1. Identifiers: Orphanet 2134, Orphanet 90038, MedGen C2749604, MONDO:0009335, OMIM 235400. Disease mechanism: Other.
Factor H deficiency (CFHD). Also called: COMPLEMENT FACTOR H DEFICIENCY; CFH DEFICIENCY. Identifiers: Orphanet 200421, MedGen C0398777, MONDO:0012350, OMIM 609814.
Basal laminar drusen. Also called: DRUSEN OF BRUCH MEMBRANE; DRUSEN, CUTICULAR; DRUSEN, EARLY ADULT-ONSET, GROUPED. Identifiers: Orphanet 75376, MedGen C0730295, MONDO:0007472, OMIM 126700.
Age related macular degeneration 4. Identifiers: MedGen C1853147, MONDO:0012540, OMIM 610698.

Allele frequency attached by ClinVar (database versions not stated): ExAC 0.00001.
gnomAD v4.1: 16 of 1,613,736 alleles (0.00099%); highest among the groups gnomAD compares: Admixed American, 0.027%; no homozygotes.

Submissions (7):

Labcorp Genetics (formerly Invitae), Labcorp
Classification: Uncertain significance. Last evaluated: 2025-01-01. Review status: criteria provided, single submitter. Criteria: Invitae Variant Classification Sherloc (09022015). Collection method: clinical testing. Allele origin: germline.
Comment: This sequence change replaces proline, which is neutral and non-polar, with threonine, which is neutral and polar, at codon 599 of the CFH protein (p.Pro599Thr). This variant is present in population databases (rs781365948, gnomAD 0.03%). This variant has not been reported in the literature in individuals affected with CFH-related conditions. ClinVar contains an entry for this variant (Variation ID: 2085426). An algorithm developed to predict the effect of missense changes on protein structure and function (PolyPhen-2) suggests that this variant¬†is likely to be tolerated. In summary, the available evidence is currently insufficient to determine the role of this variant in disease. Therefore, it has been classified as a Variant of Uncertain Significance.

Fulgent Genetics
Classification: Uncertain significance for Basal laminar drusen; Hemolytic uremic syndrome, atypical, susceptibility to, 1; Factor H deficiency; Age related macular degeneration 4. Last evaluated: 2024-03-09. Review status: criteria provided, single submitter. Criteria: ACMG Guidelines, 2015. Collection method: clinical testing. Allele origin: germline.

Genome-Nilou Lab
Classification: Uncertain significance for Hemolytic uremic syndrome, atypical, susceptibility to, 1. Last evaluated: 2023-04-11. Review status: criteria provided, single submitter. Criteria: ACMG Guidelines, 2015. Collection method: clinical testing. Allele origin: germline. Affected: no.

Genome-Nilou Lab
Classification: Uncertain significance for Age related macular degeneration 4. Last evaluated: 2023-04-11. Review status: criteria provided, single submitter. Criteria: ACMG Guidelines, 2015. Collection method: clinical testing. Allele origin: germline. Affected: no.

Genome-Nilou Lab
Classification: Uncertain significance for Basal laminar drusen. Last evaluated: 2023-04-11. Review status: criteria provided, single submitter. Criteria: ACMG Guidelines, 2015. Collection method: clinical testing. Allele origin: germline. Affected: no.

Genome-Nilou Lab
Classification: Uncertain significance for Factor H deficiency. Last evaluated: 2023-04-11. Review status: criteria provided, single submitter. Criteria: ACMG Guidelines, 2015. Collection method: clinical testing. Allele origin: germline. Affected: no.

Revvity Omics, Revvity
Classification: Uncertain significance. Last evaluated: 2021-03-03. Review status: criteria provided, single submitter. Criteria: ACMG Guidelines, 2015. Collection method: clinical testing. Allele origin: germline.

NM_000186.4(CFH):c.1795C>A (p.Pro599Thr)

Gene: CFH (complement factor H; plus strand). Cytogenetic location: 1q31.3.
Variant type: single nucleotide variant.
Coding change: c.1795C>A on transcript NM_000186.4 (MANE Select); coding-DNA position 1795, C replaced by A.
Protein change: p.Pro599Thr; replaces proline 599 with threonine.
Molecular consequence: missense variant.
Genome position (GRCh38, 1-based): chr1:196,725,219, C>A. VCF-style: chr1-196725219-C-A. GRCh37 (hg19) VCF-style: chr1-196694349-C-A.
Other names: short protein forms P599T.
Identifiers: ClinVar variation 2085426 (VCV002085426.8), dbSNP rs781365948, ClinGen allele CA1305483.
Genomic context (GRCh38, chr1:196,725,219, plus strand): 5'-GTTCCTGATCGCAAGAAAGACCAGTATAAAGTTGGAGAGGTGTTGAAATTCTCCTGCAAA[C>A]CAGGATTTACAATAGTTGGACCTAATTCCGTTCAGTGCTACCACTTTGGATTGTCTCCTG-3'
Protein context (NP_000177.2, residues 589-609): VGEVLKFSCK[Pro599Thr]GFTIVGPNSV